The following is an entry in ClinVar:

NM_000098.3(CPT2):c.634C>G (p.Leu212Val)

Gene: CPT2 (carnitine palmitoyltransferase 2; plus strand). Cytogenetic location: 1p32.3.
Variant type: single nucleotide variant.
Coding change: c.634C>G on transcript NM_000098.3 (MANE Select); coding-DNA position 634, C replaced by G.
Protein change: p.Leu212Val; replaces leucine 212 with valine.
Molecular consequence: missense variant.
Genome position (GRCh38, 1-based): chr1:53,210,308, C>G. VCF-style: chr1-53210308-C-G. GRCh37 (hg19) VCF-style: chr1-53675980-C-G.
Other names: c.634C>G, p.Leu212Val (NM_001330589.2); short protein forms L212V.
Identifiers: ClinVar variation 1415736 (VCV001415736.5), dbSNP rs747845465, ClinGen allele CA340392998.

ClinVar aggregate classification (germline): Uncertain significance (1 of 4 stars; one submission).

Conditions:
Carnitine palmitoyltransferase II deficiency. Also called: Carnitine Palmitoyltransferase 2 Deficiency. Identifiers: Orphanet 157, MedGen C0342790, MONDO:0015515.

Allele frequency attached by ClinVar (database versions not stated): TOPMed below 0.00001.

Submission:

Labcorp Genetics (formerly Invitae), Labcorp
Classification: Uncertain significance for Carnitine palmitoyltransferase II deficiency. Last evaluated: 2021-08-31. Review status: criteria provided, single submitter. Criteria: Invitae Variant Classification Sherloc (09022015). Collection method: clinical testing. Allele origin: germline.
Comment: This sequence change replaces leucine with valine at codon 212 of the CPT2 protein (p.Leu212Val). The leucine residue is highly conserved and there is a small physicochemical difference between leucine and valine. This variant is not present in population databases (ExAC no frequency). This variant has not been reported in the literature in individuals affected with CPT2-related conditions. Advanced modeling of protein sequence and biophysical properties (such as structural, functional, and spatial information, amino acid conservation, physicochemical variation, residue mobility, and thermodynamic stability) performed at Invitae indicates that this missense variant is not expected to disrupt CPT2 protein function. In summary, the available evidence is currently insufficient to determine the role of this variant in disease. Therefore, it has been classified as a Variant of Uncertain Significance.